The following is an entry in ClinVar:

NM_001009999.3(KDM1A):c.922G>A (p.Val308Ile)

Gene: KDM1A (lysine demethylase 1A; plus strand). Cytogenetic location: 1p36.12.
Variant type: single nucleotide variant.
Coding change: c.922G>A on transcript NM_001009999.3 (MANE Select); coding-DNA position 922, G replaced by A.
Protein change: p.Val308Ile; replaces valine 308 with isoleucine.
Molecular consequence: missense variant.
Genome position (GRCh38, 1-based): chr1:23,055,970, G>A. VCF-style: chr1-23055970-G-A. GRCh37 (hg19) VCF-style: chr1-23382463-G-A.
Other names: c.862G>A, p.Val288Ile (NM_001363654.2, NM_001410763.1, NM_015013.4); c.922G>A, p.Val308Ile (NM_001410762.1); short protein forms V288I, V308I.
Identifiers: ClinVar variation 4622747 (VCV004622747.2).
Genomic context (GRCh38, chr1:23,055,970, plus strand): 5'-TTTTTTCATTTTTTGCTTTTAGCTAAAAAGACAGGAAAGGTAATTATTATAGGCTCTGGG[G>A]TCTCAGGCTTGGCAGCAGCTCGACAGTTACAAAGTTTTGGAATGGATGTCACACTTTTGG-3'
Protein context (NP_001009999.1, residues 298-318): TGKVIIIGSG[Val308Ile]SGLAAARQLQ

ClinVar aggregate classification (germline): Uncertain significance (1 of 4 stars; one submission).

Conditions:
Inborn genetic diseases. Identifiers: MedGen C0950123, MeSH D030342.

gnomAD v4.1: 3 of 1,612,954 alleles (0.00019%); highest among the groups gnomAD compares: Admixed American, 0.005%; 1 homozygote.

Submission:

Ambry Genetics
Classification: Uncertain significance for Inborn genetic diseases. Last evaluated: 2026-06-29. Review status: criteria provided, single submitter. Criteria: Ambry Variant Classification Scheme 2023. Collection method: clinical testing. Allele origin: germline.
Comment: The p.V308I variant (also known as c.922G>A), located in coding exon 7 of the KDM1A gene, results from a G to A substitution at nucleotide position 922. The valine at codon 308 is replaced by isoleucine, an amino acid with highly similar properties. This amino acid position is conserved. In addition, the in silico prediction for this alteration is inconclusive. Based on the available evidence, the clinical significance of this variant remains unclear.